The following is an entry in ClinVar:

ClinVar aggregate classification (germline): Likely pathogenic (1 of 4 stars; one submission).

Conditions:
Neurofibromatosis, type 1 (NF1). Also called: VON RECKLINGHAUSEN DISEASE; Peripheral type neurofibromatosis; NEUROFIBROMATOSIS, TYPE I, SOMATIC; Neurofibromatosis, type I. Identifiers: Orphanet 636, MedGen C0027831, MONDO:0018975, OMIM 162200. Disease mechanism: loss of function.

Submission:

Labcorp Genetics (formerly Invitae), Labcorp
Classification: Likely pathogenic for Neurofibromatosis, type 1. Last evaluated: 2024-06-05. Review status: criteria provided, single submitter. Criteria: Invitae Variant Classification Sherloc (09022015). Collection method: clinical testing. Allele origin: germline.
Comment: This sequence change affects a splice site in intron 38 of the NF1 gene. It is expected to disrupt RNA splicing. Variants that disrupt the donor or acceptor splice site typically lead to a loss of protein function (PMID: 16199547), and loss-of-function variants in NF1 are known to be pathogenic (PMID: 10712197, 23913538). This variant is not present in population databases (gnomAD no frequency). This variant has not been reported in the literature in individuals affected with NF1-related conditions. ClinVar contains an entry for this variant (Variation ID: 1067386). Algorithms developed to predict the effect of sequence changes on RNA splicing suggest that this variant may disrupt the consensus splice site. In summary, the currently available evidence indicates that the variant is pathogenic, but additional data are needed to prove that conclusively. Therefore, this variant has been classified as Likely Pathogenic.

Literature cited by the submitters: PubMed 16199547; PubMed 10712197; PubMed 23913538.

NM_001042492.3(NF1):c.5812+1del

Gene: NF1 (neurofibromin 1; plus strand). Cytogenetic location: 17q11.2.
Variant type: Deletion.
Coding change: c.5812+1del on transcript NM_001042492.3 (MANE Select); the canonical splice donor site of the intron after coding-DNA position 5812, one base deleted (G; older notation c.5812+1delG).
Molecular consequence: splice donor variant.
Genome position (GRCh38, 1-based): chr17:31,330,499, G deleted. VCF-style (leftmost placement, unchanged base first): chr17-31330498-AG-A. GRCh37 (hg19) VCF-style: chr17-29657516-AG-A.
Other names: c.5749+1del (NM_000267.4).
Identifiers: ClinVar variation 1067386 (VCV001067386.5), dbSNP rs2151545014, ClinGen allele CA2499224176.